The following is an entry in ClinVar:

NM_017644.3(KLHL24):c.716G>A (p.Arg239His)

Gene: KLHL24 (kelch like family member 24; plus strand). Cytogenetic location: 3q27.1.
Variant type: single nucleotide variant.
Coding change: c.716G>A on transcript NM_017644.3 (MANE Select); coding-DNA position 716, G replaced by A.
Protein change: p.Arg239His; replaces arginine 239 with histidine.
Molecular consequence: missense variant. On other transcripts: 5 prime UTR variant (2), non-coding transcript variant (2).
Genome position (GRCh38, 1-based): chr3:183,651,072, G>A. VCF-style: chr3-183651072-G-A. GRCh37 (hg19) VCF-style: chr3-183368860-G-A.
Other names: c.716G>A, p.Arg239His (NM_001349413.1, NM_001349414.1, NM_001349415.1 and 11 more transcripts); c.-251G>A (NM_001349428.1, NM_001349429.1); short protein forms R239H.
Identifiers: ClinVar variation 3376572 (VCV003376572.1).

ClinVar aggregate classification (germline): Uncertain significance (1 of 4 stars; one submission).

Conditions:
Hypertrophic cardiomyopathy. Also called: HYPERTROPHIC MYOCARDIOPATHY. Identifiers: Orphanet 217569, MedGen C0007194, MeSH D002312, MONDO:0005045, HP:0001639.

gnomAD v4.1: 18 of 1,614,044 alleles (0.0011%); highest among the groups gnomAD compares: African/African-American, 0.0067%; no homozygotes.

Submission:

Victorian Clinical Genetics Services, Murdoch Childrens Research Institute
Classification: Uncertain significance for Hypertrophic cardiomyopathy. Last evaluated: 2022-06-24. Review status: criteria provided, single submitter. Criteria: ACMG Guidelines, 2015. Collection method: clinical testing. Allele origin: germline. Inheritance: Autosomal recessive inheritance. Affected: yes.
Comment: Based on the classification scheme VCGS_Germline_v1.3.4, this variant is classified as VUS-3C. Following criteria are met: 0103 - Loss of function and gain of function are known mechanisms of disease in this gene and are associated with hypertrophic cardiomyopathy, KLHL24-related (MONDO#0005045 PMID: 30715372), and generalised epidermolysis bullosa simplex with scarring and hair loss (MIM#617294), respectively. Biallelic loss of function variants are suggested to result in the cardiac condition while monoallelic start-loss variants causing reduced protein degradation have been reported in individuals with the epidermolysis bullosa phenotype (PMIDs: 27889062, 30715372). (I) 0108 - This gene is associated with both recessive and dominant disease (PMIDs: 27889062, 30715372). (I) 0200 - Variant is predicted to result in a missense amino acid change from arginine to histidine. (I) 0251 - This variant is heterozygous. (I) 0304 - Variant is present in gnomAD <0.01 (v2: 8 heterozygotes, 0 homozygotes). (SP) 0309 - An alternative amino acid change at the same position has been observed in gnomAD (v2: 37 heterozygotes, 0 homozygotes). (I) 0503 - Missense variant consistently predicted to be tolerated by multiple in silico tools or not conserved in placental mammals with a minor amino acid change. (SB) 0604 - Variant is not located in an established domain, motif, hotspot or informative constraint region. (I) 0705 - No comparable missense variants have previous evidence for pathogenicity. (I) 0807 - This variant has no previous evidence of pathogenicity. (I) 0905 - No published segregation evidence has been identified for this variant. (I) 1007 - No published functional evidence has been identified for this variant. (I) 1208 - Inheritance information for this variant is not currently available in this individual. (I) Legend: (SP) - Supporting pathogenic, (I) - Information, (SB) - Supporting benign

Literature cited by the submitters: PubMed 27889062; PubMed 30715372.